The following is an entry in ClinVar:

ClinVar aggregate classification (germline): Uncertain significance (1 of 4 stars; one submission).

Conditions:
Visceral neuropathy, familial, 1, autosomal recessive (VSCN1). Identifiers: Orphanet 99811, MedGen C1855733, MONDO:8000011, OMIM 243180.
Erythroleukemia, familial, susceptibility to. Also called: DI GUGLIELMO DISEASE, FAMILIAL; Acute erythroleukemia, familial. Identifiers: Orphanet 318, MedGen C5552985, MONDO:0007573, OMIM 133180.
Lethal congenital contracture syndrome 2 (LCCS2). Also called: Lethal congenital contractural syndrome 2; MULTIPLE CONTRACTURE SYNDROME, ISRAELI BEDOUIN TYPE A. Identifiers: Orphanet 137776, MedGen C1843478, MONDO:0011868, OMIM 607598.

Submission:

Juno Genomics, Hangzhou Juno Genomics, Inc
Classification: Uncertain significance for Visceral neuropathy, familial, 1, autosomal recessive; Lethal congenital contracture syndrome 2; Erythroleukemia, familial, susceptibility to. Review status: criteria provided, single submitter. Criteria: ACMG Guidelines, 2015. Collection method: clinical testing. Allele origin: germline.
Comment: Absent from controls (or at extremely low frequency if recessive) in Genome Aggregation Database.;Missense variant in a gene that has a low rate of benign missense variation.

NM_001982.4(ERBB3):c.499G>C (p.Val167Leu)

Gene: ERBB3 (erb-b2 receptor tyrosine kinase 3; plus strand). Cytogenetic location: 12q13.2.
Variant type: single nucleotide variant.
Coding change: c.499G>C on transcript NM_001982.4 (MANE Select); coding-DNA position 499, G replaced by C.
Protein change: p.Val167Leu; replaces valine 167 with leucine.
Molecular consequence: missense variant.
Genome position (GRCh38, 1-based): chr12:56,086,608, G>C. VCF-style: chr12-56086608-G-C. GRCh37 (hg19) VCF-style: chr12-56480392-G-C.
Other names: short protein forms V167L.
Identifiers: ClinVar variation 5005134 (VCV005005134.2).
Genomic context (GRCh38, chr12:56,086,608, plus strand): 5'-GTTTATATTGAGAAGAACGATAAGCTTTGTCACATGGACACAATTGACTGGAGGGACATC[G>C]TGAGGGACCGAGATGCTGAGATAGTGGTGAAGGACAATGGCAGAAGCTGTAAGTGGCCGT-3'
Protein context (NP_001973.2, residues 157-177): HMDTIDWRDI[Val167Leu]RDRDAEIVVK